The following is an entry in ClinVar:

NM_001148.6(ANK2):c.10847T>C (p.Leu3616Pro)

Gene: ANK2 (ankyrin 2; plus strand). Cytogenetic location: 4q26.
Variant type: single nucleotide variant.
Coding change: c.10847T>C on transcript NM_001148.6 (MANE Select); coding-DNA position 10847, T replaced by C.
Protein change: p.Leu3616Pro; replaces leucine 3616 with proline.
Molecular consequence: missense variant.
Genome position (GRCh38, 1-based): chr4:113,363,428, T>C. VCF-style: chr4-113363428-T-C. GRCh37 (hg19) VCF-style: chr4-114284584-T-C.
Other names: c.4529T>C, p.Leu1510Pro (NM_001386143.1, NM_001354243.2, NM_001354255.2); c.4637T>C, p.Leu1546Pro (NM_001386144.1, NM_001354240.2, NM_001354241.2); c.4373T>C, p.Leu1458Pro (NM_001386146.1, NM_001386149.1, NM_001386150.1 and 1 more transcripts); c.4418T>C, p.Leu1473Pro (NM_001386147.1); c.4577T>C, p.Leu1526Pro (NM_001386148.2, NM_001386186.2); c.4307T>C, p.Leu1436Pro (NM_001386151.1, NM_001354260.2, NM_001354271.2); c.4649T>C, p.Leu1550Pro (NM_001386152.1); c.4358T>C, p.Leu1453Pro (NM_001386154.1, NM_001354274.2); and 35 more; short protein forms L1370P, L1403P, L1431P, L1436P, L1444P, L1453P, L1456P, L1458P.
Identifiers: ClinVar variation 1316331 (VCV001316331.2), dbSNP rs1157491049, ClinGen allele CA357941367.
Genomic context (GRCh38, chr4:113,363,428, plus strand): 5'-AGCAAATTCATCAAATTCGAATTGAAAATCCCAACTCTCTTCAAGACCAGAGTCATGCAC[T>C]GTTGAAGTACTGGCTAGAGAGGGATGGGAAACATGCTACAGGTAAGTGGGGAACTATATG-3'
Protein context (NP_001139.3, residues 3606-3626): PNSLQDQSHA[Leu3616Pro]LKYWLERDGK

ClinVar aggregate classification (germline): Uncertain significance (1 of 4 stars; one submission).

Submission:

GeneDx
Classification: Uncertain significance. Last evaluated: 2019-09-23. Review status: criteria provided, single submitter. Criteria: GeneDx Variant Classification Process June 2021. Collection method: clinical testing. Allele origin: germline. Affected: yes.
Comment: Has not been previously published as pathogenic or benign to our knowledge; Not observed in large population cohorts (Lek et al., 2016); In silico analysis, which includes protein predictors and evolutionary conservation, supports a deleterious effect